The following is an entry in ClinVar:

ClinVar aggregate classification (germline): Uncertain significance (1 of 4 stars; one submission).

Conditions:
Hereditary cancer-predisposing syndrome. Also called: Hereditary neoplastic syndrome; Neoplastic Syndromes, Hereditary; Tumor predisposition; Hereditary Cancer Syndrome. Identifiers: Orphanet 140162, MedGen C0027672, MeSH D009386, MONDO:0015356.

Submission:

Ambry Genetics
Classification: Uncertain significance for Hereditary cancer-predisposing syndrome. Last evaluated: 2025-08-27. Review status: criteria provided, single submitter. Criteria: Ambry Variant Classification Scheme 2023. Collection method: clinical testing. Allele origin: germline.
Comment: The p.G67D variant (also known as c.200G>A), located in coding exon 3 of the MUTYH gene, results from a G to A substitution at nucleotide position 200. The glycine at codon 67 is replaced by aspartic acid, an amino acid with similar properties. This amino acid position is conserved. In addition, this alteration is predicted to be tolerated by in silico analysis. Based on the available evidence, the clinical significance of this variant remains unclear.

NM_001048174.2(MUTYH):c.116G>A (p.Gly39Asp)

Gene: MUTYH (mutY DNA glycosylase; minus strand). Cytogenetic location: 1p34.1.
Variant type: single nucleotide variant.
Coding change: c.116G>A on transcript NM_001048174.2 (MANE Select); coding-DNA position 116, G replaced by A.
Protein change: p.Gly39Asp; replaces glycine 39 with aspartic acid.
Molecular consequence: missense variant. On other transcripts: 5 prime UTR variant (1), non-coding transcript variant (5), intron variant (5).
Genome position (GRCh38, 1-based): chr1:45,333,561, C>T on the plus strand (G>A on the coding strand, the complement: MUTYH is on the minus strand). VCF-style: chr1-45333561-C-T. GRCh37 (hg19) VCF-style: chr1-45799233-C-T.
Other names: c.116G>A, p.Gly39Asp (NM_001048171.2, NM_001048173.2, NM_001293195.2 and 6 more transcripts); c.119G>A, p.Gly40Asp (NM_001048172.2, NM_001407071.1, NM_001407078.1 and 2 more transcripts); c.200G>A, p.Gly67Asp (NM_001128425.2); c.161G>A, p.Gly54Asp (NM_001293190.2); c.149G>A, p.Gly50Asp (NM_001293191.2, NM_001407077.1); c.-156G>A (NM_001350650.2); c.191G>A, p.Gly64Asp (NM_001407069.1, NM_012222.3); c.158G>A, p.Gly53Asp (NM_001407073.1, NM_001407083.1, NM_001407085.1); and 4 more; short protein forms G11D, G40D, G46D, G39D, G50D, G53D, G54D, G64D.
Identifiers: ClinVar variation 4113492 (VCV004113492.1).